The following is an entry in ClinVar:

NM_014297.5(ETHE1):c.406A>G (p.Thr136Ala)

Gene: ETHE1 (ETHE1 persulfide dioxygenase; minus strand). Cytogenetic location: 19q13.31.
Variant type: single nucleotide variant.
Coding change: c.406A>G on transcript NM_014297.5 (MANE Select); coding-DNA position 406, A replaced by G.
Protein change: p.Thr136Ala; replaces threonine 136 with alanine.
Molecular consequence: missense variant.
Genome position (GRCh38, 1-based): chr19:43,511,536, T>C on the plus strand (A>G on the coding strand, the complement: ETHE1 is on the minus strand). VCF-style: chr19-43511536-T-C. GRCh37 (hg19) VCF-style: chr19-44015688-T-C.
Other names: c.406A>G (NM_014297.4); c.373A>G, p.Thr125Ala (NM_001320867.2); c.37A>G, p.Thr13Ala (NM_001320868.2); c.112A>G, p.Thr38Ala (NM_001320869.2); short protein forms T136A, T13A, T38A, T125A.
Identifiers: ClinVar variation 496426 (VCV000496426.10), dbSNP rs1284200516, ClinGen allele CA406175649.

ClinVar aggregate classification (germline): Pathogenic. Review status: criteria provided, multiple submitters, no conflicts (2 of 4 stars). 4 submissions from 4 submitters: Pathogenic (3). 1 of the submissions does not count toward it. Last evaluated 2024-04-24.

Conditions:
Ethylmalonic encephalopathy (EE). Also called: EPEMA syndrome; Encephalopathy, petechiae, and ethylmalonic aciduria; Syndrome of encephalopathy, petechiae, and ethylmalonic aciduria. Identifiers: Orphanet 51188, MedGen C1865349, MONDO:0011229, OMIM 602473. Disease mechanism: loss of function.

Allele frequency attached by ClinVar (database versions not stated): gnomAD exomes below 0.00001.
gnomAD v4.1: 2 of 1,613,988 alleles (0.00012%); highest among the groups gnomAD compares: Admixed American, 0.0017%; no homozygotes.

Submissions (4):

Natera, Inc.
Classification: Pathogenic for Ethylmalonic encephalopathy. Last evaluated: 2024-04-24. Review status: criteria provided, single submitter. Criteria: Natera Variant Classification Schema (03/2026). Collection method: clinical testing. Allele origin: germline.
Comment: The c.406A>G variant in ETHE1 is a missense variant predicted to cause substitution of threonine to alanine at amino acid 136. This variant is rare in the general population with a frequency below the threshold expected for the associated phenotype(s). This variant has been observed in one or more individuals affected with the associated recessive disease, as either homozygous or compound heterozygous with a second variant (PMID: 14732903, 16183799, 18593870). Computational prediction algorithms indicate this variant is likely to affect gene or protein function. Given the available evidence, this variant is classified as Pathogenic.

Labcorp Genetics (formerly Invitae), Labcorp
Classification: Pathogenic for Ethylmalonic encephalopathy. Last evaluated: 2022-02-02. Review status: criteria provided, single submitter. Criteria: Invitae Variant Classification Sherloc (09022015). Collection method: clinical testing. Allele origin: germline.
Comment: ClinVar contains an entry for this variant (Variation ID: 496426). Advanced modeling of protein sequence and biophysical properties (such as structural, functional, and spatial information, amino acid conservation, physicochemical variation, residue mobility, and thermodynamic stability) performed at Invitae indicates that this missense variant is expected to disrupt ETHE1 protein function. For these reasons, this variant has been classified as Pathogenic. This missense change has been observed in individuals with ethylmalonic encephalopathy (PMID: 14732903, 16183799, 18593870). This sequence change replaces threonine, which is neutral and polar, with alanine, which is neutral and non-polar, at codon 136 of the ETHE1 protein (p.Thr136Ala). This variant is present in population databases (no rsID available, gnomAD 0.003%).

Women's Health and Genetics/Laboratory Corporation of America, LabCorp
Classification: Pathogenic for Ethylmalonic encephalopathy. Last evaluated: 2017-06-23. Review status: criteria provided, single submitter. Criteria: LabCorp Variant Classification Summary - May 2015. Collection method: clinical testing. Allele origin: germline.
Comment: Variant summary: The ETHE1 c.406A>G (p.Thr136Ala) variant causes a missense change involving the alteration of a conserved nucleotide located in the "second cordination sphere of the metal ions, in close proximity to the active site and indicated to be crucial for maintaining structural integrity of the protein (Tiranti_2006). In addition, 4/4 in silico tools predict a damaging outcome for this variant, which is supported by a functional study, Tiranti_2006, which observed no protein expression via western blot for the homozygous pt, along with extremely elevated EMA levels in both the homozygous and compound heterozygous affected indivdiuals. This variant is absent in 121424 control chromosomes (ExAC and Tiranti_2004) and it was found in 1/246074 (0.000004064) control chromosomes in gnomAD. This variant was reported in compound heterozygous and homozygous patients diagnosed with ethylmalonic encephalopathy (EE)(Mineri_2008). This variant has not been reported via clinical diagnostic laboratories. Taken together, this variant is classified as pathogenic.

GeneReviews
No classification provided. Condition: Ethylmalonic encephalopathy. Review status: no classification provided. Collection method: literature only. Allele origin: germline. Not counted in ClinVar's aggregate classification.

Literature cited by the submitters: PubMed 14732903 (cited by 3 submitters); PubMed 16183799 (cited by 3 submitters); PubMed 18593870 (cited by 3 submitters); PubMed 16828325 (cited by Women's Health and Genetics/Laboratory Corporation of America, LabCorp); NCBI Bookshelf NBK453432 (cited by GeneReviews); PubMed 28933811 (cited by GeneReviews).